The following is an entry in ClinVar:

NM_000540.3(RYR1):c.1663G>A (p.Ala555Thr)

Gene: RYR1 (ryanodine receptor 1; plus strand). Cytogenetic location: 19q13.2.
Variant type: single nucleotide variant.
Coding change: c.1663G>A on transcript NM_000540.3 (MANE Select); coding-DNA position 1663, G replaced by A.
Protein change: p.Ala555Thr; replaces alanine 555 with threonine.
Molecular consequence: missense variant.
Genome position (GRCh38, 1-based): chr19:38,455,537, G>A. VCF-style: chr19-38455537-G-A. GRCh37 (hg19) VCF-style: chr19-38946177-G-A.
Other names: c.1663G>A, p.Ala555Thr (NM_001042723.2); short protein forms A555T.
Identifiers: ClinVar variation 1007598 (VCV001007598.10), dbSNP rs1225397962, ClinGen allele CA405690506.

ClinVar aggregate classification (germline): Uncertain significance (1 of 4 stars; one submission).

Conditions:
RYR1-related disorder. Also called: RYR1-related condition; RYR1-related disorders. Identifiers: MedGen CN239331.

Submission:

Labcorp Genetics (formerly Invitae), Labcorp
Classification: Uncertain significance for RYR1-related disorder. Last evaluated: 2023-08-14. Review status: criteria provided, single submitter. Criteria: Invitae Variant Classification Sherloc (09022015). Collection method: clinical testing. Allele origin: germline.
Comment: ClinVar contains an entry for this variant (Variation ID: 1007598). This sequence change replaces alanine, which is neutral and non-polar, with threonine, which is neutral and polar, at codon 555 of the RYR1 protein (p.Ala555Thr). This variant is not present in population databases (gnomAD no frequency). This variant has not been reported in the literature in individuals affected with RYR1-related conditions. Advanced modeling of protein sequence and biophysical properties (such as structural, functional, and spatial information, amino acid conservation, physicochemical variation, residue mobility, and thermodynamic stability) has been performed at Invitae for this missense variant, however the output from this modeling did not meet the statistical confidence thresholds required to predict the impact of this variant on RYR1 protein function. In summary, the available evidence is currently insufficient to determine the role of this variant in disease. Therefore, it has been classified as a Variant of Uncertain Significance.